The following is an entry in ClinVar:

ClinVar aggregate classification (germline): Uncertain significance. Review status: criteria provided, multiple submitters, no conflicts (2 of 4 stars). 2 submissions from 2 submitters: Uncertain significance (2). Last evaluated 2025-12-04.

Conditions:
Inborn genetic diseases. Identifiers: MedGen C0950123, MeSH D030342.
Epidermodysplasia verruciformis. Identifiers: Orphanet 302, MedGen C0014522, MONDO:0009176.

Allele frequency attached by ClinVar (database versions not stated): gnomAD 0.00017; 1000 Genomes Project 0.00040; gnomAD exomes 0.00001 and 0.00003; ESP Exome Variant Server 0.00015; TOPMed 0.00017; ExAC 0.00005; 1000 Genomes Project 30x 0.00031.
gnomAD v4.1: 47 of 1,613,844 alleles (0.0029%); highest among the groups gnomAD compares: African/African-American, 0.056%; no homozygotes.

Submissions (2):

Ambry Genetics
Classification: Uncertain significance for Inborn genetic diseases. Last evaluated: 2025-12-04. Review status: criteria provided, single submitter. Criteria: Ambry Variant Classification Scheme 2023. Collection method: clinical testing. Allele origin: germline.

Labcorp Genetics (formerly Invitae), Labcorp
Classification: Uncertain significance for Epidermodysplasia verruciformis. Last evaluated: 2022-07-06. Review status: criteria provided, single submitter. Criteria: Invitae Variant Classification Sherloc (09022015). Collection method: clinical testing. Allele origin: germline.
Comment: In summary, the available evidence is currently insufficient to determine the role of this variant in disease. Therefore, it has been classified as a Variant of Uncertain Significance. Algorithms developed to predict the effect of missense changes on protein structure and function are either unavailable or do not agree on the potential impact of this missense change (SIFT: "Not Available"; PolyPhen-2: "Benign"; Align-GVGD: "Not Available"). ClinVar contains an entry for this variant (Variation ID: 650006). This variant has not been reported in the literature in individuals affected with TMC6-related conditions. This variant is present in population databases (rs371802601, gnomAD 0.07%). This sequence change replaces glutamine, which is neutral and polar, with histidine, which is basic and polar, at codon 43 of the TMC6 protein (p.Gln43His).

NM_001127198.5(TMC6):c.129G>C (p.Gln43His)

Gene: TMC6 (transmembrane channel like 6; minus strand). Cytogenetic location: 17q25.3.
Variant type: single nucleotide variant.
Coding change: c.129G>C on transcript NM_001127198.5 (MANE Select); coding-DNA position 129, G replaced by C.
Protein change: p.Gln43His; replaces glutamine 43 with histidine.
Molecular consequence: missense variant. On other transcripts: non-coding transcript variant (4).
Genome position (GRCh38, 1-based): chr17:78,126,576, C>G on the plus strand (G>C on the coding strand, the complement: TMC6 is on the minus strand). VCF-style: chr17-78126576-C-G. GRCh37 (hg19) VCF-style: chr17-76122657-C-G.
Other names: c.129G>C, p.Gln43His (NM_001321185.1, NM_001374593.1, NM_001374594.1 and 4 more transcripts); c.129G>C (NM_007267.6); short protein forms Q43H.
Identifiers: ClinVar variation 650006 (VCV000650006.9), dbSNP rs371802601, ClinGen allele CA8796251.